The following is an entry in ClinVar:

ClinVar aggregate classification (germline): Uncertain significance (1 of 4 stars; one submission).

Submission:

Labcorp Genetics (formerly Invitae), Labcorp
Classification: Uncertain significance. Last evaluated: 2022-08-09. Review status: criteria provided, single submitter. Criteria: Invitae Variant Classification Sherloc (09022015). Collection method: clinical testing. Allele origin: germline.
Comment: This sequence change results in a frameshift in the TOP3A gene (p.Cys997Valfs*11). While this is not anticipated to result in nonsense mediated decay, it is expected to disrupt the last 5 amino acid(s) of the TOP3A protein and extend the protein by 5 additional amino acid residues. This variant is present in population databases (rs777850988, gnomAD 0.06%). This frameshift has been observed in individual(s) with uterine corpus endometrial carcinoma (PMID: 26689913). Experimental studies and prediction algorithms are not available or were not evaluated, and the functional significance of this variant is currently unknown. In summary, the available evidence is currently insufficient to determine the role of this variant in disease. Therefore, it has been classified as a Variant of Uncertain Significance.

Literature cited by the submitters: PubMed 26689913.

NM_004618.5(TOP3A):c.2989del (p.Cys997fs)

Gene: TOP3A (DNA topoisomerase III alpha; minus strand). Cytogenetic location: 17p11.2.
Variant type: Deletion.
Coding change: c.2989del on transcript NM_004618.5 (MANE Select); coding-DNA position 2989, one base deleted (T; older notation c.2989delT).
Protein change: p.Cys997fs; shifts the reading frame from cysteine 997.
Molecular consequence: frameshift variant.
Genome position (GRCh38, 1-based): chr17:18,274,819, A deleted on the plus strand (T on the coding strand, the reverse complement: TOP3A is on the minus strand); the first of 4 consecutive A bases (chr17:18,274,819-18,274,822); deleting any one gives the same sequence. VCF-style (leftmost placement, unchanged base first): chr17-18274818-CA-C. GRCh37 (hg19) VCF-style: chr17-18178132-CA-C.
Other names: c.2704del, p.Cys902fs (NM_001320759.2); short protein forms C902fs, C997fs.
Identifiers: ClinVar variation 1922093 (VCV001922093.2), dbSNP rs777850988, ClinGen allele CA8429472.